The following is an entry in ClinVar:

ClinVar aggregate classification (germline): Uncertain significance (1 of 4 stars; one submission).

gnomAD v4.1: 1 of 1,614,122 alleles (0.000062%); highest among the groups gnomAD compares: Non-Finnish European, 0.000085%; no homozygotes.

Submission:

Labcorp Genetics (formerly Invitae), Labcorp
Classification: Uncertain significance. Last evaluated: 2024-07-31. Review status: criteria provided, single submitter. Criteria: Invitae Variant Classification Sherloc (09022015). Collection method: clinical testing. Allele origin: germline.
Comment: This sequence change replaces histidine, which is basic and polar, with glutamine, which is neutral and polar, at codon 722 of the MICAL1 protein (p.His722Gln). This variant is present in population databases (no rsID available, gnomAD 0.0009%). This variant has not been reported in the literature in individuals affected with MICAL1-related conditions. An algorithm developed to predict the effect of missense changes on protein structure and function outputs the following: PolyPhen-2: "Benign". The glutamine amino acid residue is found in multiple mammalian species, which suggests that this missense change does not adversely affect protein function. In summary, the available evidence is currently insufficient to determine the role of this variant in disease. Therefore, it has been classified as a Variant of Uncertain Significance.

NM_022765.4(MICAL1):c.2109C>G (p.His703Gln)

Gene: MICAL1 (microtubule associated monooxygenase, calponin and LIM domain containing 1; minus strand). Cytogenetic location: 6q21.
Variant type: single nucleotide variant.
Coding change: c.2109C>G on transcript NM_022765.4 (MANE Select); coding-DNA position 2109, C replaced by G.
Protein change: p.His703Gln; replaces histidine 703 with glutamine.
Molecular consequence: missense variant.
Genome position (GRCh38, 1-based): chr6:109,447,191, G>C on the plus strand (C>G on the coding strand, the complement: MICAL1 is on the minus strand). VCF-style: chr6-109447191-G-C. GRCh37 (hg19) VCF-style: chr6-109768394-G-C.
Other names: c.1851C>G, p.His617Gln (NM_001159291.2); c.2166C>G, p.His722Gln (NM_001286613.2); short protein forms H617Q, H703Q, H722Q.
Identifiers: ClinVar variation 3615562 (VCV003615562.2).
Genomic context (GRCh38, chr6:109,447,191, plus strand): 5'-GCGGAAGCAGCTCCGGTGGAAGAAATGGCCGTTGACACAGAGGCGTTCCAGGACATAGAG[G>C]TGTTCCCCACAAAGTGCACACAGGTCCCCAGCACCGGCCTGCGTGGACCCCCAGGACACA-3'
Protein context (NP_073602.3, residues 693-713): AGDLCALCGE[His703Gln]LYVLERLCVN